The following is an entry in ClinVar:

ClinVar aggregate classification (germline): Uncertain significance. Review status: criteria provided, multiple submitters, no conflicts (2 of 4 stars). 10 submissions from 10 submitters: Uncertain significance (10). Last evaluated 2025-02-11.

Conditions:
Autosomal recessive limb-girdle muscular dystrophy type 2K. Also called: MUSCULAR DYSTROPHY-DYSTROGLYCANOPATHY (LIMB-GIRDLE), TYPE C, 1; MUSCULAR DYSTROPHY, LIMB-GIRDLE, TYPE 2K. Identifiers: Orphanet 86812, MedGen C1836373, MONDO:0012248, OMIM 609308.
Cerebellar ataxia. Identifiers: Orphanet 102002, MedGen C0007758, MONDO:0000437.
Poor speech. Identifiers: MedGen C1848207, HP:0002465.
Sensory neuropathy. Identifiers: MedGen C0151313, MONDO:0002321, HP:0000763.
Hearing impairment. Also called: Impaired Hearing. Identifiers: MedGen C1384666, MONDO:0005365, HP:0000365.
Gait disturbance. Also called: Abnormal gait; Gait abnormality. Identifiers: MedGen C0575081, HP:0001288.
Muscular dystrophy-dystroglycanopathy (congenital with impaired intellectual development), type B, 1. Also called: Muscular dystrophy-dystroglycanopathy (congenital with intellectual disability), type B1; MUSCULAR DYSTROPHY, CONGENITAL, POMT1-RELATED. Identifiers: MedGen C5436962, MONDO:0013159, OMIM 613155.
Walker-Warburg congenital muscular dystrophy. Also called: Muscular dystrophy-dystroglycanopathy, type A; Walker-Warburg syndrome. Identifiers: Orphanet 899, MedGen C0265221, MONDO:0000171.
Muscular dystrophy-dystroglycanopathy (congenital with brain and eye anomalies), type A1 (MDDGA1). Also called: COD-MD SYNDROME; Muscular dystrophy-dystroglycanopathy (congenital with brain and eye anomalies), type A, 1; WALKER-WARBURG SYNDROME OR MUSCLE-EYE-BRAIN DISEASE, POMT1-RELATED; Hydrocephalus, agyria and retinal dysplasia; Hard +/- E syndrome; Warburg syndrome. Identifiers: Orphanet 588, Orphanet 899, MedGen C4284790, MONDO:0009364, OMIM 236670.

Allele frequency attached by ClinVar (database versions not stated): ESP Exome Variant Server 0.00008; gnomAD 0.00011 and 0.00009; ExAC 0.00027; TOPMed 0.00009; gnomAD exomes 0.00016 and 0.00021.
gnomAD v4.1: 244 of 1,613,980 alleles (0.015%); highest among the groups gnomAD compares: Middle Eastern, 0.082%; no homozygotes.

Submissions (10):

Revvity Omics, Revvity
Classification: Uncertain significance. Last evaluated: 2025-02-11. Review status: criteria provided, single submitter. Criteria: ACMG Guidelines, 2015. Collection method: clinical testing. Allele origin: germline.

Kariminejad - Najmabadi Pathology & Genetics Center
Classification: Uncertain significance for Muscular dystrophy-dystroglycanopathy (congenital with brain and eye anomalies), type A1. Last evaluated: 2024-06-15. Review status: criteria provided, single submitter. Criteria: ACMG Guidelines, 2015. Collection method: clinical testing. Allele origin: germline. Inheritance: Autosomal recessive inheritance. Affected: yes.
Comment: PM2,PP3_mod

Athena Diagnostics
Classification: Uncertain significance. Last evaluated: 2023-10-27. Review status: criteria provided, single submitter. Criteria: Athena Diagnostics Criteria. Collection method: clinical testing. Allele origin: unknown.
Comment: Available data are insufficient to determine the clinical significance of the variant at this time. The frequency of this variant in the general population is uninformative in assessment of its pathogenicity. Computational tools disagree on the variant's effect on normal protein function.

GeneDx
Classification: Uncertain significance. Last evaluated: 2022-10-21. Review status: criteria provided, single submitter. Criteria: GeneDx Variant Classification Process June 2021. Collection method: clinical testing. Allele origin: germline. Affected: yes.
Comment: In silico analysis supports that this missense variant has a deleterious effect on protein structure/function; Has not been previously published as pathogenic or benign to our knowledge; This variant is associated with the following publications: (PMID: 30564623, 28182637)

Labcorp Genetics (formerly Invitae), Labcorp
Classification: Uncertain significance for Muscular dystrophy-dystroglycanopathy (congenital with impaired intellectual development), type B, 1; Walker-Warburg congenital muscular dystrophy; Autosomal recessive limb-girdle muscular dystrophy type 2K. Last evaluated: 2022-08-16. Review status: criteria provided, single submitter. Criteria: Invitae Variant Classification Sherloc (09022015). Collection method: clinical testing. Allele origin: germline.
Comment: This sequence change replaces arginine, which is basic and polar, with glutamine, which is neutral and polar, at codon 620 of the POMT1 protein (p.Arg620Gln). This variant is present in population databases (rs202140413, gnomAD 0.03%). This variant has not been reported in the literature in individuals affected with POMT1-related conditions. ClinVar contains an entry for this variant (Variation ID: 373970). Algorithms developed to predict the effect of missense changes on protein structure and function are either unavailable or do not agree on the potential impact of this missense change (SIFT: "Deleterious"; PolyPhen-2: "Probably Damaging"; Align-GVGD: "Class C0"). In summary, the available evidence is currently insufficient to determine the role of this variant in disease. Therefore, it has been classified as a Variant of Uncertain Significance.

Mayo Clinic Laboratories, Mayo Clinic
Classification: Uncertain significance. Last evaluated: 2021-11-26. Review status: criteria provided, single submitter. Criteria: ACMG Guidelines, 2015. Collection method: clinical testing. Allele origin: germline.

CeGaT Center for Human Genetics Tuebingen
Classification: Uncertain significance. Last evaluated: 2018-12-01. Review status: criteria provided, single submitter. Criteria: CeGaT Center For Human Genetics Tuebingen Variant Classification Criteria Version 2. Collection method: clinical testing. Allele origin: germline. Affected: yes. Observed: 1 variant allele.

Eurofins Ntd Llc (ga)
Classification: Uncertain significance. Last evaluated: 2018-06-05. Review status: criteria provided, single submitter. Criteria: EGL ClinVar v180209 classification definitions. Collection method: clinical testing. Allele origin: germline. Observed: 4 variant alleles, 4 heterozygotes.

Illumina Laboratory Services, Illumina
Classification: Uncertain significance for Autosomal recessive limb-girdle muscular dystrophy type 2K. Last evaluated: 2017-10-29. Review status: criteria provided, single submitter. Criteria: ICSL Variant Classification Criteria 13 December 2019. Collection method: clinical testing. Allele origin: germline.
Comment: This variant was observed as part of a predisposition screen in an ostensibly healthy population. A literature search was performed for the gene, cDNA change, and amino acid change (where applicable). Publications were found based on this search. However, the evidence from the literature, in combination with allele frequency data from public databases where available, was not sufficient to rule this variant in or out of causing disease. Therefore, this variant is classified as a variant of unknown significance.

Centre for Mendelian Genomics, University Medical Centre Ljubljana
Classification: Uncertain significance for Ataxia; Gait disturbance; Hearing impairment; Poor speech; Sensory neuropathy. Last evaluated: 2015-04-22. Review status: criteria provided, single submitter. Criteria: ACMG Guidelines, 2015. Collection method: clinical testing. Allele origin: unknown. Affected: yes.

Literature cited by the submitters: PubMed 28182637 (cited by Illumina Laboratory Services, Illumina).

NM_001077365.2(POMT1):c.1793G>A (p.Arg598Gln)

Gene: POMT1 (protein O-mannosyltransferase 1; plus strand). Cytogenetic location: 9q34.13.
Variant type: single nucleotide variant.
Coding change: c.1793G>A on transcript NM_001077365.2 (MANE Select); coding-DNA position 1793, G replaced by A.
Protein change: p.Arg598Gln; replaces arginine 598 with glutamine.
Molecular consequence: missense variant. On other transcripts: non-coding transcript variant (10).
Genome position (GRCh38, 1-based): chr9:131,521,440, G>A. VCF-style: chr9-131521440-G-A. GRCh37 (hg19) VCF-style: chr9-134396827-G-A.
Other names: p.Arg620Gln; c.1631G>A, p.Arg544Gln (NM_001077366.2, NM_001353194.2); c.1793G>A, p.Arg598Gln (NM_001136113.2); c.1442G>A, p.Arg481Gln (NM_001136114.2, NM_001353195.2, NM_001374691.1 and 2 more transcripts); c.1859G>A, p.Arg620Gln (NM_001353193.2, NM_007171.4); c.1703G>A, p.Arg568Gln (NM_001353196.2); c.1697G>A, p.Arg566Gln (NM_001353197.2, NM_001353198.2); c.1508G>A, p.Arg503Gln (NM_001353199.2); and 4 more; short protein forms R620Q, R566Q, R568Q, R446Q, R544Q, R481Q, R503Q, R598Q.
Identifiers: ClinVar variation 373970 (VCV000373970.64), dbSNP rs202140413, ClinGen allele CA5293824.